The following is an entry in ClinVar:

NM_001135651.3(EIF2AK2):c.1096A>G (p.Met366Val)

Gene: EIF2AK2 (eukaryotic translation initiation factor 2 alpha kinase 2; minus strand). Cytogenetic location: 2p22.2.
Variant type: single nucleotide variant.
Coding change: c.1096A>G on transcript NM_001135651.3 (MANE Select); coding-DNA position 1096, A replaced by G.
Protein change: p.Met366Val; replaces methionine 366 with valine.
Molecular consequence: missense variant.
Genome position (GRCh38, 1-based): chr2:37,120,111, T>C on the plus strand (A>G on the coding strand, the complement: EIF2AK2 is on the minus strand). VCF-style: chr2-37120111-T-C. GRCh37 (hg19) VCF-style: chr2-37347254-T-C.
Other names: c.973A>G, p.Met325Val (NM_001135652.3); c.1096A>G, p.Met366Val (NM_002759.4); short protein forms M325V, M366V.
Identifiers: ClinVar variation 3907832 (VCV003907832.1).

ClinVar aggregate classification (germline): Uncertain significance (1 of 4 stars; one submission).

gnomAD v4.1: 3 of 1,472,458 alleles (0.0002%); highest among the groups gnomAD compares: Non-Finnish European, 0.00027%; no homozygotes.

Submission:

GeneDx
Classification: Uncertain significance. Last evaluated: 2024-12-27. Review status: criteria provided, single submitter. Criteria: GeneDx Variant Classification Process June 2021. Collection method: clinical testing. Allele origin: germline. Affected: yes.
Comment: Not observed at significant frequency in large population cohorts (gnomAD); In silico analysis supports that this missense variant has a deleterious effect on protein structure/function; Has not been previously published as pathogenic or benign to our knowledge